The following is an entry in ClinVar:

ClinVar aggregate classification (germline): Uncertain significance (1 of 4 stars; one submission).

Submission:

Ambry Genetics
Classification: Uncertain significance. Last evaluated: 2025-02-02. Review status: criteria provided, single submitter. Criteria: Ambry Variant Classification Scheme 2023. Collection method: clinical testing. Allele origin: germline.
Comment: The p.I55T variant (also known as c.164T>C), located in coding exon 1 of the MLH3 gene, results from a T to C substitution at nucleotide position 164. The isoleucine at codon 55 is replaced by threonine, an amino acid with similar properties. This amino acid position is conserved. In addition, this alteration is predicted to be tolerated by in silico analysis. Based on the available evidence, the clinical significance of this variant remains unclear.

NM_001040108.2(MLH3):c.164T>C (p.Ile55Thr)

Gene: MLH3 (mutL homolog 3; minus strand). Cytogenetic location: 14q24.3.
Variant type: single nucleotide variant.
Coding change: c.164T>C on transcript NM_001040108.2 (MANE Select); coding-DNA position 164, T replaced by C.
Protein change: p.Ile55Thr; replaces isoleucine 55 with threonine.
Molecular consequence: missense variant.
Genome position (GRCh38, 1-based): chr14:75,049,492, A>G on the plus strand (T>C on the coding strand, the complement: MLH3 is on the minus strand). VCF-style: chr14-75049492-A-G. GRCh37 (hg19) VCF-style: chr14-75516195-A-G.
Other names: c.164T>C, p.Ile55Thr (NM_014381.3); short protein forms I55T.
Identifiers: ClinVar variation 3873512 (VCV003873512.1).
Genomic context (GRCh38, chr14:75,049,492, plus strand): 5'-GTGAAATAACGATTTCCCACTTTCTCTACATCATCACTCCCCATCCCAAATCCATTGTCT[A>G]TCACTTGAACTTGGAAGGTTTCCATATTCACCCTGACAGCCACACATTTTGCTTCAGCAT-3'
Protein context (NP_001035197.1, residues 45-65): VNMETFQVQV[Ile55Thr]DNGFGMGSDD